The following is an entry in ClinVar:

NM_016562.4(TLR7):c.2291A>T (p.Lys764Met)

Gene: TLR7 (toll like receptor 7; plus strand). Cytogenetic location: Xp22.2.
Variant type: single nucleotide variant.
Coding change: c.2291A>T on transcript NM_016562.4 (MANE Select); coding-DNA position 2291, A replaced by T.
Protein change: p.Lys764Met; replaces lysine 764 with methionine.
Molecular consequence: missense variant.
Genome position (GRCh38, 1-based): chrX:12,887,799, A>T. VCF-style: chrX-12887799-A-T. GRCh37 (hg19) VCF-style: chrX-12905918-A-T.
Other names: short protein forms K764M.
Identifiers: ClinVar variation 2730337 (VCV002730337.3), dbSNP rs200556781, ClinGen allele CA10350071.

ClinVar aggregate classification (germline): Uncertain significance (1 of 4 stars; one submission).

Allele frequency attached by ClinVar (database versions not stated): ExAC 0.00001; gnomAD exomes 0.00002; TOPMed 0.00003; gnomAD 0.00002; ESP Exome Variant Server 0.00009.
gnomAD v4.1: 25 of 1,210,859 alleles (0.0021%); highest among the groups gnomAD compares: Non-Finnish European, 0.0028%; no homozygotes.

Submission:

Labcorp Genetics (formerly Invitae), Labcorp
Classification: Uncertain significance. Last evaluated: 2025-09-22. Review status: criteria provided, single submitter. Criteria: Invitae Variant Classification Sherloc (09022015). Collection method: clinical testing. Allele origin: germline.
Comment: This sequence change replaces lysine, which is basic and polar, with methionine, which is neutral and non-polar, at codon 764 of the TLR7 protein (p.Lys764Met). This variant is present in population databases (rs200556781, gnomAD 0.003%). This variant has not been reported in the literature in individuals affected with TLR7-related conditions. ClinVar contains an entry for this variant (Variation ID: 2730337). An algorithm developed to predict the effect of missense changes on protein structure and function (PolyPhen-2) suggests that this variant is likely to be disruptive. In summary, the available evidence is currently insufficient to determine the role of this variant in disease. Therefore, it has been classified as a Variant of Uncertain Significance.